The following is an entry in ClinVar:

ClinVar aggregate classification (germline): Uncertain significance (1 of 4 stars; one submission).

Allele frequency attached by ClinVar (database versions not stated): gnomAD 0.00001.
gnomAD v4.1: 9 of 1,614,014 alleles (0.00056%); highest among the groups gnomAD compares: South Asian, 0.0088%; no homozygotes.

Submission:

Labcorp Genetics (formerly Invitae), Labcorp
Classification: Uncertain significance. Last evaluated: 2023-02-11. Review status: criteria provided, single submitter. Criteria: Invitae Variant Classification Sherloc (09022015). Collection method: clinical testing. Allele origin: germline.
Comment: In summary, the available evidence is currently insufficient to determine the role of this variant in disease. Therefore, it has been classified as a Variant of Uncertain Significance. Algorithms developed to predict the effect of missense changes on protein structure and function (SIFT, PolyPhen-2, Align-GVGD) all suggest that this variant is likely to be tolerated. This variant has not been reported in the literature in individuals affected with SULF1-related conditions. This variant is present in population databases (no rsID available, gnomAD 0.003%). This sequence change replaces valine, which is neutral and non-polar, with leucine, which is neutral and non-polar, at codon 215 of the SULF1 protein (p.Val215Leu).

NM_001128205.2(SULF1):c.643G>C (p.Val215Leu)

Gene: SULF1 (sulfatase 1; plus strand). Cytogenetic location: 8q13.2.
Variant type: single nucleotide variant.
Coding change: c.643G>C on transcript NM_001128205.2 (MANE Select); coding-DNA position 643, G replaced by C.
Protein change: p.Val215Leu; replaces valine 215 with leucine.
Molecular consequence: missense variant. On other transcripts: 5 prime UTR variant (1), non-coding transcript variant (6).
Genome position (GRCh38, 1-based): chr8:69,589,050, G>C. VCF-style: chr8-69589050-G-C. GRCh37 (hg19) VCF-style: chr8-70501285-G-C.
Other names: c.643G>C, p.Val215Leu (NM_001128204.2, NM_001128206.2, NM_001412828.1 and 19 more transcripts); c.457G>C, p.Val153Leu (NM_001412841.1, NM_001412842.1); c.43G>C, p.Val15Leu (NM_001412844.1, NM_001412845.1); c.-1133G>C (NM_001412846.1); short protein forms V153L, V15L, V215L.
Identifiers: ClinVar variation 2836538 (VCV002836538.3), dbSNP rs751417229, ClinGen allele CA371225612.
Genomic context (GRCh38, chr8:69,589,050, plus strand): 5'-ATCACTAACGAGAGCATTAATTACTTCAAAATGTCTAAGAGAATGTATCCCCATAGGCCC[G>C]TTATGATGGTGATCAGCCACGCTGCGCCCCACGGCCCCGAGGACTCAGCCCCACAGTTTT-3'
Protein context (NP_001121677.1, residues 205-225): MSKRMYPHRP[Val215Leu]MMVISHAAPH